The following is an entry in ClinVar:

ClinVar aggregate classification (germline): Likely benign (1 of 4 stars; one submission).

Submission:

Women's Health and Genetics/Laboratory Corporation of America, LabCorp
Classification: Likely benign. Last evaluated: 2026-04-02. Review status: criteria provided, single submitter. Criteria: LabCorp Variant Classification Summary - May 2015. Collection method: clinical testing. Allele origin: germline.
Comment: Variant summary: COL5A2 c.1006-14T>C alters a non-conserved nucleotide located at a position not widely known to affect splicing. Consensus agreement among computation tools predict no significant impact on normal splicing. However, these predictions have yet to be confirmed by functional studies. The variant was absent in 251316 control chromosomes. The available data on variant occurrences in the general population are insufficient to allow any conclusion about variant significance. To our knowledge, no occurrence of c.1006-14T>C in individuals affected with COL5A2-related conditions and no experimental evidence demonstrating its impact on protein function have been reported. No submitters have cited clinical-significance assessments for this variant to ClinVar. Based on the evidence outlined above, the variant was classified as likely benign.

NM_000393.5(COL5A2):c.1006-14T>C

Gene: COL5A2 (collagen type V alpha 2 chain; minus strand). Cytogenetic location: 2q32.2.
Variant type: single nucleotide variant.
Coding change: c.1006-14T>C on transcript NM_000393.5 (MANE Select); 14 bases into the intron before coding-DNA position 1006, T replaced by C.
Molecular consequence: intron variant.
Genome position (GRCh38, 1-based): chr2:189,078,583, A>G on the plus strand (T>C on the coding strand, the complement: COL5A2 is on the minus strand). VCF-style: chr2-189078583-A-G. GRCh37 (hg19) VCF-style: chr2-189943309-A-G.
Identifiers: ClinVar variation 4848956 (VCV004848956.1).